The following is an entry in ClinVar:

NM_001130145.3(YAP1):c.163G>C (p.Val55Leu)

Gene: YAP1 (Yes1 associated transcriptional regulator; plus strand). Cytogenetic location: 11q22.1.
Variant type: single nucleotide variant.
Coding change: c.163G>C on transcript NM_001130145.3 (MANE Select); coding-DNA position 163, G replaced by C.
Protein change: p.Val55Leu; replaces valine 55 with leucine.
Molecular consequence: missense variant.
Genome position (GRCh38, 1-based): chr11:102,111,011, G>C. VCF-style: chr11-102111011-G-C. GRCh37 (hg19) VCF-style: chr11-101981742-G-C.
Other names: c.163G>C, p.Val55Leu (NM_001195044.2, NM_001282097.2, NM_001282098.2 and 4 more transcripts); short protein forms V55L.
Identifiers: ClinVar variation 3983038 (VCV003983038.2).
Genomic context (GRCh38, chr11:102,111,011, plus strand): 5'-CAACCGGCACCCGCGGCGACCCAGGCGGCGCCGCAGGCACCCCCCGCCGGGCATCAGATC[G>C]TGCACGTCCGCGGGGACTCGGAGACCGACCTGGAGGCGCTCTTCAACGCCGTCATGAACC-3'
Protein context (NP_001123617.1, residues 45-65): PQAPPAGHQI[Val55Leu]HVRGDSETDL

ClinVar aggregate classification (germline): Uncertain significance. Review status: criteria provided, multiple submitters, no conflicts (2 of 4 stars). 2 submissions from 2 submitters: Uncertain significance (2). Last evaluated 2026-06-16.

gnomAD v4.1: 10 of 1,599,342 alleles (0.00063%); highest among the groups gnomAD compares: Admixed American, 0.0051%; no homozygotes.

Submissions (2):

Women's Health and Genetics/Laboratory Corporation of America, LabCorp
Classification: Uncertain significance. Last evaluated: 2026-06-16. Review status: criteria provided, single submitter. Criteria: LabCorp Variant Classification Summary - May 2015. Collection method: clinical testing. Allele origin: germline.
Comment: Variant summary: YAP1 c.163G>C (p.Val55Leu) results in a conservative amino acid change in the encoded protein sequence. Algorithms developed to predict the effect of missense changes on protein structure and function are either unavailable or do not agree on the potential impact of this missense change. The variant allele was found at a frequency of 4.6e-06 in 219064 control chromosomes. The available data on variant occurrences in the general population are insufficient to allow any conclusion about variant significance. To our knowledge, no occurrence of c.163G>C in individuals affected with YAP1-related conditions and no experimental evidence demonstrating its impact on protein function have been reported. ClinVar contains an entry for this variant (Variation ID: 3983038). Based on the evidence outlined above, the variant was classified as uncertain significance.

Ambry Genetics
Classification: Uncertain significance. Last evaluated: 2025-06-06. Review status: criteria provided, single submitter. Criteria: Ambry Variant Classification Scheme 2023. Collection method: clinical testing. Allele origin: germline.